The following is an entry in ClinVar:

ClinVar aggregate classification (germline): Conflicting classifications of pathogenicity. Review status: criteria provided, conflicting classifications (1 of 4 stars). 3 submissions from 3 submitters: Uncertain significance (1); Likely benign (1). 1 of the submissions does not count toward it. Last evaluated 2026-08-06.

Conditions:
Lissencephaly. Also called: Lissencephaly spectrum disorders. Identifiers: Orphanet 48471, MedGen C0266463, MeSH D054082, MONDO:0018838, HP:0001339.
Charcot-Marie-Tooth disease axonal type 2O. Also called: CHARCOT-MARIE-TOOTH NEUROPATHY, AXONAL, TYPE 2O; CHARCOT-MARIE-TOOTH DISEASE, AXONAL, AUTOSOMAL DOMINANT, TYPE 2O; Charcot-Marie-Tooth Neuropathy Type 2O; Charcot-Marie-Tooth disease, axonal, type 20. Identifiers: Orphanet 284232, MedGen C3280220, MONDO:0013644, OMIM 614228.

Allele frequency attached by ClinVar (database versions not stated): gnomAD exomes 0.00001.
gnomAD v4.1: 9 of 1,614,220 alleles (0.00056%); highest among the groups gnomAD compares: East Asian, 0.0022%; no homozygotes.

Submissions (3):

OLLIN Analises Genomicas, OLLIN
Classification: Uncertain significance for Charcot-Marie-Tooth disease axonal type 2O. Last evaluated: 2026-08-06. Review status: criteria provided, single submitter. Criteria: ACMG Guidelines 2015 PMID 25741868. Collection method: clinical testing. Allele origin: germline. Inheritance: Autosomal dominant inheritance.
Comment: This missense variant, located in exon 54 (of 78), has been reported in ClinVar (accession VCV000996574.4) and in gnomAD with an allele frequency of 0.00056%. However, to our knowledge, it has not been reported in the scientific literature. In silico analysis predicts that this variant has a tolerated effect. This gene is constrained for missense variation. According to the currently available evidence, this variant has been classified as uncertain significance (PP2, BP4).

Labcorp Genetics (formerly Invitae), Labcorp
Classification: Likely benign for Charcot-Marie-Tooth disease axonal type 2O. Last evaluated: 2025-04-23. Review status: criteria provided, single submitter. Criteria: Invitae Variant Classification Sherloc (09022015). Collection method: clinical testing. Allele origin: germline.

University of Washington Center for Mendelian Genomics, University of Washington
Classification: Uncertain significance for lissencephaly. Review status: no assertion criteria provided. Collection method: research. Allele origin: unknown. Affected: yes. Not counted in ClinVar's aggregate classification.

Literature cited by the submitters: PubMed 29671837 (cited by University of Washington Center for Mendelian Genomics, University of Washington).

NM_001376.5(DYNC1H1):c.10313G>A (p.Arg3438Gln)

Gene: DYNC1H1 (dynein cytoplasmic 1 heavy chain 1; plus strand). Cytogenetic location: 14q32.31.
Variant type: single nucleotide variant.
Coding change: c.10313G>A on transcript NM_001376.5 (MANE Select); coding-DNA position 10313, G replaced by A.
Protein change: p.Arg3438Gln; replaces arginine 3438 with glutamine.
Molecular consequence: missense variant.
Genome position (GRCh38, 1-based): chr14:102,033,384, G>A. VCF-style: chr14-102033384-G-A. GRCh37 (hg19) VCF-style: chr14-102499721-G-A.
Other names: short protein forms R3438Q.
Identifiers: ClinVar variation 996574 (VCV000996574.5), dbSNP rs1375729860, ClinGen allele CA391023959.
Genomic context (GRCh38, chr14:102,033,384, plus strand): 5'-AGCTGGAAGATGACGCCAAGGACAACCAGCAGAAGGCCAACGAGGTGGAGCAGATGATCC[G>A]AGACCTGGAAGCCAGCATCGCCCGCTACAAGGAGGAATACGCCGTCCTGATCTCAGAGGC-3'
Protein context (NP_001367.2, residues 3428-3448): QKANEVEQMI[Arg3438Gln]DLEASIARYK